The following is an entry in ClinVar:

ClinVar aggregate classification (germline): Likely pathogenic. Review status: criteria provided, multiple submitters, no conflicts (2 of 4 stars). 2 submissions from 2 submitters: Likely pathogenic (2). Last evaluated 2026-01-15.

Conditions:
Mucopolysaccharidosis type 6 (MPS6). Also called: N-ACETYLGALACTOSAMINE-4-SULFATASE DEFICIENCY; MPS VI; MPS 6; Maroteaux Lamy syndrome; ARSB DEFICIENCY; ARYLSULFATASE B DEFICIENCY. Identifiers: Orphanet 583, MedGen C0026709, MONDO:0009661, OMIM 253200.

Submissions (2):

Natera, Inc.
Classification: Likely pathogenic for Mucopolysaccharidosis type VI. Last evaluated: 2026-01-15. Review status: criteria provided, single submitter. Criteria: Natera Variant Classification Schema (03/2026). Collection method: clinical testing. Allele origin: germline.
Comment: The c.511G>A variant in ARSB is a missense variant predicted to cause substitution of glycine to serine at amino acid 171. This variant is rare in the general population with a frequency below the threshold expected for the associated phenotype(s). This variant has been observed in one or more individuals affected with the associated recessive disease, as either homozygous or compound heterozygous with a second variant (PMID: 17161971). This variant has been identified in one or more affected individual with a phenotype highly consistent with the associated gene (PMID: 17161971). Functional studies show that this variant may disrupt protein function (PMID: 17161971). Computational prediction algorithms indicate this variant is likely to affect gene or protein function. Given the available evidence, this variant is classified as Likely Pathogenic.

Laboratory of Diagnosis and Therapy of Lysosomal Disorders, University of Padova
Classification: Likely pathogenic for Mucopolysaccharidosis type 6. Last evaluated: 2018-01-01. Review status: criteria provided, single submitter. Criteria: ACMG Guidelines, 2015. Collection method: curation. Allele origin: germline. Affected: yes.
Comment: In vitro functional studies supportive of a damaging effect on the gene product (low to no ARSB activity in homozygotes; PS3); Absent from GnomAD (PM2)

Literature cited by the submitters: PubMed 17161971 (cited by Natera, Inc. and Laboratory of Diagnosis and Therapy of Lysosomal Disorders, University of Padova); PubMed 17458871 (cited by Laboratory of Diagnosis and Therapy of Lysosomal Disorders, University of Padova); PubMed 30118150 (cited by Laboratory of Diagnosis and Therapy of Lysosomal Disorders, University of Padova).

NM_000046.5(ARSB):c.511G>A (p.Gly171Ser)

Gene: ARSB (arylsulfatase B; minus strand). Cytogenetic location: 5q14.1.
Variant type: single nucleotide variant.
Coding change: c.511G>A on transcript NM_000046.5 (MANE Select); coding-DNA position 511, G replaced by A.
Protein change: p.Gly171Ser; replaces glycine 171 with serine.
Molecular consequence: missense variant.
Genome position (GRCh38, 1-based): chr5:78,964,595, C>T on the plus strand (G>A on the coding strand, the complement: ARSB is on the minus strand). VCF-style: chr5-78964595-C-T. GRCh37 (hg19) VCF-style: chr5-78260418-C-T.
Other names: c.511G>A, p.Gly171Ser (NM_198709.3); short protein forms G171S.
Identifiers: ClinVar variation 559794 (VCV000559794.2), dbSNP rs1554087445, ClinGen allele CA360193455.